The following is an entry in ClinVar:

NM_020690.6(ANKHD1-EIF4EBP3):c.1590T>C (p.Asp530=)

Genes: ANKHD1 (ankyrin repeat and KH domain containing 1; plus strand), ANKHD1-EIF4EBP3 (ANKHD1-EIF4EBP3 readthrough; plus strand). Cytogenetic location: 5q31.3.
Variant type: single nucleotide variant.
Coding change: c.1590T>C on transcript NM_020690.6; coding-DNA position 1590, T replaced by C.
Protein change: p.Asp530=; no amino-acid change (aspartic acid 530 retained).
Molecular consequence: synonymous variant.
Genome position (GRCh38, 1-based): chr5:140,459,273, T>C. VCF-style: chr5-140459273-T-C. GRCh37 (hg19) VCF-style: chr5-139838858-T-C.
Other names: c.1590T>C, p.Asp530= (NM_001197030.2, NM_017747.3, NM_024668.4); c.1557T>C, p.Asp519= (NM_017978.3).
Identifiers: ClinVar variation 2655738 (VCV002655738.24), dbSNP rs372120011, ClinGen allele CA3439196.

ClinVar aggregate classification (germline): Likely benign (1 of 4 stars; one submission).

Allele frequency attached by ClinVar (database versions not stated): gnomAD exomes 0.00003; ESP Exome Variant Server 0.00015; ExAC 0.00016; gnomAD 0.00019; TOPMed 0.00031.
gnomAD v4.1: 170 of 1,603,396 alleles (0.011%); highest among the groups gnomAD compares: East Asian, 0.083%; 4 homozygotes.

Submission:

CeGaT Center for Human Genetics Tuebingen
Classification: Likely benign. Last evaluated: 2023-02-01. Review status: criteria provided, single submitter. Criteria: CeGaT Center For Human Genetics Tuebingen Variant Classification Criteria Version 2. Collection method: clinical testing. Allele origin: germline. Affected: yes. Observed: 1 variant allele.
Comment: ANKHD1-EIF4EBP3: BP4, BP7